The following is an entry in ClinVar:

ClinVar aggregate classification (germline): Likely benign. Review status: criteria provided, multiple submitters, no conflicts (2 of 4 stars). 2 submissions from 2 submitters: Likely benign (2). Last evaluated 2025-08-14.

Conditions:
Spondylodysplastic Ehlers-Danlos syndrome. Identifiers: Orphanet 536471, Orphanet 75496, MedGen C5680154, MONDO:0007526.
B4GALT7-related disorder. Also called: B4GALT7-related condition.

Allele frequency attached by ClinVar (database versions not stated): TOPMed below 0.00001; ExAC 0.00001; gnomAD 0.00001; gnomAD exomes 0.00001.
gnomAD v4.1: 17 of 1,613,770 alleles (0.0011%); highest among the groups gnomAD compares: Non-Finnish European, 0.000085%; no homozygotes.

Submissions (2):

Labcorp Genetics (formerly Invitae), Labcorp
Classification: Likely benign for Spondylodysplastic Ehlers-Danlos syndrome. Last evaluated: 2025-08-14. Review status: criteria provided, single submitter. Criteria: Invitae Variant Classification Sherloc (09022015). Collection method: clinical testing. Allele origin: germline.

PreventionGenetics, part of Exact Sciences
Classification: Likely benign for B4GALT7-related condition. Last evaluated: 2024-10-18. Review status: criteria provided, single submitter. Criteria: ACMG Guidelines, 2015. Collection method: clinical testing. Allele origin: germline.
Comment: This variant is classified as likely benign based on ACMG/AMP sequence variant interpretation guidelines (Richards et al. 2015 PMID: 25741868, with internal and published modifications).

NM_007255.3(B4GALT7):c.648G>A (p.Gly216=)

Gene: B4GALT7 (beta-1,4-galactosyltransferase 7; plus strand). Cytogenetic location: 5q35.3.
Variant type: single nucleotide variant.
Coding change: c.648G>A on transcript NM_007255.3 (MANE Select); coding-DNA position 648, G replaced by A.
Protein change: p.Gly216=; no amino-acid change (glycine 216 retained).
Molecular consequence: synonymous variant.
Genome position (GRCh38, 1-based): chr5:177,608,547, G>A. VCF-style: chr5-177608547-G-A. GRCh37 (hg19) VCF-style: chr5-177035548-G-A.
Other names: c.648G>A (NM_007255.2).
Identifiers: ClinVar variation 3019121 (VCV003019121.4), dbSNP rs758676806, ClinGen allele CA3586615.
Genomic context (GRCh38, chr5:177,608,547, plus strand): 5'-GCCCCCCCCCCCGGGAAGATGGGCCGAGTGACGCTGCTTGTCTCTGTGTCAGTGCAATGG[G>A]ATGTCCAACCGCTTCTGGGGCTGGGGCCGCGAGGACGACGAGTTCTACCGGCGCATTAAG-3'
Protein context (NP_009186.1, residues 206-226): LSKQHYRLCN[Gly216=]MSNRFWGWGR